The following is an entry in ClinVar:

ClinVar aggregate classification (germline): Uncertain significance. Review status: criteria provided, multiple submitters, no conflicts (2 of 4 stars). 3 submissions from 3 submitters: Uncertain significance (3). Last evaluated 2023-08-25.

gnomAD v4.1: 10 of 1,614,010 alleles (0.00062%); highest among the groups gnomAD compares: South Asian, 0.0044%; no homozygotes.

Submissions (3):

Mayo Clinic Laboratories, Mayo Clinic
Classification: Uncertain significance. Last evaluated: 2023-08-25. Review status: criteria provided, single submitter. Criteria: ACMG Guidelines, 2015. Collection method: clinical testing. Allele origin: germline. Observed: 1 variant allele.

Labcorp Genetics (formerly Invitae), Labcorp
Classification: Uncertain significance. Last evaluated: 2022-02-17. Review status: criteria provided, single submitter. Criteria: Invitae Variant Classification Sherloc (09022015). Collection method: clinical testing. Allele origin: germline.
Comment: This sequence change replaces alanine, which is neutral and non-polar, with serine, which is neutral and polar, at codon 1263 of the POLR3A protein (p.Ala1263Ser). This variant is present in population databases (no rsID available, gnomAD 0.003%). This variant has not been reported in the literature in individuals affected with POLR3A-related conditions. Algorithms developed to predict the effect of missense changes on protein structure and function are either unavailable or do not agree on the potential impact of this missense change (SIFT: "Deleterious"; PolyPhen-2: "Probably Damaging"; Align-GVGD: "Class C0"). Algorithms developed to predict the effect of sequence changes on RNA splicing suggest that this variant is not likely to affect RNA splicing. In summary, the available evidence is currently insufficient to determine the role of this variant in disease. Therefore, it has been classified as a Variant of Uncertain Significance.

Blueprint Genetics
Classification: Uncertain significance. Last evaluated: 2021-01-18. Review status: criteria provided, single submitter. Criteria: ACMG Guidelines, 2015. Collection method: clinical testing. Allele origin: germline.

NM_007055.4(POLR3A):c.3787G>T (p.Ala1263Ser)

Gene: POLR3A (RNA polymerase III subunit A; minus strand). Cytogenetic location: 10q22.3.
Variant type: single nucleotide variant.
Coding change: c.3787G>T on transcript NM_007055.4 (MANE Select); coding-DNA position 3787, G replaced by T.
Protein change: p.Ala1263Ser; replaces alanine 1263 with serine.
Molecular consequence: missense variant.
Genome position (GRCh38, 1-based): chr10:77,981,532, C>A on the plus strand (G>T on the coding strand, the complement: POLR3A is on the minus strand). VCF-style: chr10-77981532-C-A. GRCh37 (hg19) VCF-style: chr10-79741290-C-A.
Other names: p.Ala1263Ser; short protein forms A1263S.
Identifiers: ClinVar variation 2050264 (VCV002050264.3), dbSNP rs560414667, ClinGen allele CA377326727.